The following continues an entry in ClinVar:

NM_024675.4(PALB2):c.3300T>G (p.Thr1100=)

Gene: PALB2. ClinVar aggregate classification (germline): Benign/Likely benign. Benign (14); Likely benign (4).

Submissions 22 to 26 of 26:

Department of Pathology and Laboratory Medicine, Sinai Health System
Classification: Benign for Malignant tumor of breast. Review status: no assertion criteria provided. Collection method: clinical testing. Allele origin: unknown. Affected: yes. Study: The Canadian Open Genetics Repository (COGR). Not counted in ClinVar's aggregate classification.
Comment: The PALB2 p.Thr1100= variant was identified in 196 of 6158 proband chromosomes (frequency: 0.03) from individuals or families with breast cancer, ovarian cancer, or malignant melanoma (Aoude 2014, Erkko 2007, Rahman 2007, Kluska 2017, Catucci 2014). The variant was also identified in ClinVar (classified as benign by Invitae, Ambry Genetics, Prevention Genetics, and three other submitters; and as likely benign by three submitters), LOVD 3.0 (20x as not affecting function), and then Zhejiang Colon Cancer Database (5 entries classified as â€šÃ„Ãºprobably no pathogenicityâ€šÃ„Ã¹). The variant was not identified in Cosmic or the MutDB databases. The variant was identified in control databases in 6664 of 282864 chromosomes (112 homozygous) at a frequency of 0.02, increasing the likelihood this could be a low frequency benign variant (Genome Aggregation Database Feb 27, 2017). The variant was observed in the following populations: Ashkenazi Jewish in 363 of 10370 chromosomes (freq: 0.04), European (Non-Finnish) in 3775 of 129186 chromosomes (freq: 0.03), Other in 200 of 7226 chromosomes (freq: 0.03), South Asian in 815 of 30616 chromosomes (freq: 0.03), European (Finnish) in 499 of 25118 chromosomes (freq: 0.02), African in 421 of 24958 chromosomes (freq: 0.02), Latino in 589 of 35440 chromosomes (freq: 0.02), and East Asian in 2 of 19950 chromosomes (freq: 0.0001). The p.Thr1100= variant is not expected to have clinical significance because it does not result in a change of amino acid and is not located in a known consensus splice site. In addition, in silico or computational prediction software programs (SpliceSiteFinder, MaxEntScan, NNSPLICE, GeneSplicer, HumanSpliceFinder) do not predict a difference in splicing. In summary, based on the above information, this variant meets our laboratory's criteria to be classified as benign.

Genome Diagnostics Laboratory, Amsterdam University Medical Center
Classification: Benign. Review status: no assertion criteria provided. Collection method: clinical testing. Allele origin: germline. Affected: yes. Study: VKGL Data-share Consensus. Not counted in ClinVar's aggregate classification.

Genome Diagnostics Laboratory, University Medical Center Utrecht
Classification: Benign. Review status: no assertion criteria provided. Collection method: clinical testing. Allele origin: germline. Affected: yes. Study: VKGL Data-share Consensus. Not counted in ClinVar's aggregate classification.

Joint Genome Diagnostic Labs from Nijmegen and Maastricht, Radboudumc and MUMC+
Classification: Benign. Review status: no assertion criteria provided. Collection method: clinical testing. Allele origin: germline. Affected: yes. Study: VKGL Data-share Consensus. Not counted in ClinVar's aggregate classification.

Laboratory of Diagnostic Genome Analysis, Leiden University Medical Center (LUMC)
Classification: Likely benign. Review status: no assertion criteria provided. Collection method: clinical testing. Allele origin: germline. Affected: yes. Study: VKGL Data-share Consensus. Not counted in ClinVar's aggregate classification.

Literature cited by the submitters: PubMed 17200668 (cited by Leiden Open Variation Database); PubMed 17287723 (cited by Leiden Open Variation Database); PubMed 18288683 (cited by Leiden Open Variation Database); PubMed 18302019 (cited by Leiden Open Variation Database); PubMed 19333784 (cited by Leiden Open Variation Database); PubMed 20122277 (cited by Leiden Open Variation Database); PubMed 20852946 (cited by Leiden Open Variation Database); PubMed 20927582 (cited by Leiden Open Variation Database); PubMed 21165770 (cited by Leiden Open Variation Database); PubMed 21365267 (cited by Leiden Open Variation Database); PubMed 21409391 (cited by Leiden Open Variation Database); PubMed 21618343 (cited by Leiden Open Variation Database); PubMed 22052327 (cited by Leiden Open Variation Database); PubMed 22310028 (cited by Leiden Open Variation Database); PubMed 22692731 (cited by Leiden Open Variation Database); PubMed 23448497 (cited by Leiden Open Variation Database); PubMed 23935836 (cited by Leiden Open Variation Database); PubMed 24206657 (cited by Leiden Open Variation Database); PubMed 24556926 (cited by Leiden Open Variation Database); PubMed 24949998 (cited by Leiden Open Variation Database).